The following is an entry in ClinVar:

NM_133642.5(LARGE1):c.1030C>T (p.Gln344Ter)

Gene: LARGE1 (LARGE xylosyl- and glucuronyltransferase 1; minus strand). Cytogenetic location: 22q12.3.
Variant type: single nucleotide variant.
Coding change: c.1030C>T on transcript NM_133642.5 (MANE Select); coding-DNA position 1030, C replaced by T.
Protein change: p.Gln344Ter; replaces glutamine 344 with a stop codon.
Molecular consequence: nonsense.
Genome position (GRCh38, 1-based): chr22:33,382,020, G>A on the plus strand (C>T on the coding strand, the complement: LARGE1 is on the minus strand). VCF-style: chr22-33382020-G-A. GRCh37 (hg19) VCF-style: chr22-33778006-G-A.
Other names: c.1030C>T, p.Gln344Ter (NM_001362949.2, NM_001362951.2, NM_001362953.2 and 7 more transcripts); c.427C>T, p.Gln143Ter (NM_001378630.1, NM_001378631.1); short protein forms Q143*, Q344*.
Identifiers: ClinVar variation 2788600 (VCV002788600.3), dbSNP rs2065175772, ClinGen allele CA411544947.
Genomic context (GRCh38, chr22:33,382,020, plus strand): 5'-TGTGGTCTGACAGCTGCACATTCCAGAAGCAGGGGAGCTGGTACACAAGGAAGGGGTTTT[G>A]TTTGATGACGGCATTGAAAATATCCTGGGGGATGAAAGCCAAAGACACAGTCAAGACAGT-3'

ClinVar aggregate classification (germline): Pathogenic (1 of 4 stars; one submission).

Conditions:
Muscular dystrophy-dystroglycanopathy type B6 (MDDGB6). Also called: MUSCULAR DYSTROPHY, CONGENITAL, LARGE-RELATED; MUSCULAR DYSTROPHY, CONGENITAL, TYPE 1D; MUSCULAR DYSTROPHY-DYSTROGLYCANOPATHY (CONGENITAL WITH IMPAIRED INTELLECTUAL DEVELOPMENT), TYPE B, 6. Identifiers: MedGen C1837229, MONDO:0012138, OMIM 608840.

Allele frequency attached by ClinVar (database versions not stated): TOPMed below 0.00001.

Submission:

Labcorp Genetics (formerly Invitae), Labcorp
Classification: Pathogenic for Muscular dystrophy-dystroglycanopathy type B6. Last evaluated: 2023-06-16. Review status: criteria provided, single submitter. Criteria: Invitae Variant Classification Sherloc (09022015). Collection method: clinical testing. Allele origin: germline.
Comment: This sequence change creates a premature translational stop signal (p.Gln344*) in the LARGE1 gene. It is expected to result in an absent or disrupted protein product. Loss-of-function variants in LARGE1 are known to be pathogenic (PMID: 12966029, 17878207). This variant is not present in population databases (gnomAD no frequency). This variant has not been reported in the literature in individuals affected with LARGE1-related conditions. For these reasons, this variant has been classified as Pathogenic.

Literature cited by the submitters: PubMed 12966029; PubMed 17878207.